The following is an entry in ClinVar:

ClinVar aggregate classification (germline): Uncertain significance. Review status: criteria provided, multiple submitters, no conflicts (2 of 4 stars). 6 submissions from 6 submitters: Uncertain significance (6). Last evaluated 2025-11-20.

Conditions:
Familial cancer of breast. Also called: BREAST CANCER, FAMILIAL; Hereditary breast cancer; hereditary breast carcinoma. Identifiers: Orphanet 227535, MedGen C0346153, MONDO:0016419, OMIM 114480. Disease mechanism: loss of function.
Hereditary cancer-predisposing syndrome. Also called: Neoplastic Syndromes, Hereditary; Tumor predisposition; Hereditary Cancer Syndrome; Hereditary neoplastic syndrome. Identifiers: Orphanet 140162, MedGen C0027672, MeSH D009386, MONDO:0015356.

Allele frequency attached by ClinVar (database versions not stated): gnomAD exomes below 0.00001; gnomAD 0.00001; TOPMed 0.00002.
gnomAD v4.1: 5 of 1,613,982 alleles (0.00031%); highest among the groups gnomAD compares: Non-Finnish European, 0.00042%; no homozygotes.

Submissions (6):

Ambry Genetics
Classification: Uncertain significance for Hereditary cancer-predisposing syndrome. Last evaluated: 2025-11-20. Review status: criteria provided, single submitter. Criteria: Ambry Variant Classification Scheme 2023. Collection method: clinical testing. Allele origin: germline.
Comment: The p.G866D variant (also known as c.2597G>A), located in coding exon 7 of the PALB2 gene, results from a G to A substitution at nucleotide position 2597. The glycine at codon 866 is replaced by aspartic acid, an amino acid with similar properties. This amino acid position is not well conserved in available vertebrate species. In addition, this alteration is predicted to be tolerated by in silico analysis. Based on the available evidence, the clinical significance of this variant remains unclear.

Women's Health and Genetics/Laboratory Corporation of America, LabCorp
Classification: Uncertain significance. Last evaluated: 2025-10-14. Review status: criteria provided, single submitter. Criteria: LabCorp Variant Classification Summary - May 2015. Collection method: clinical testing. Allele origin: germline.
Comment: Variant summary: PALB2 c.2597G>A (p.Gly866Asp) results in a non-conservative amino acid change in the encoded protein sequence. Algorithms developed to predict the effect of missense changes on protein structure and function are either unavailable or do not agree on the potential impact of this missense change. The variant was absent in 251480 control chromosomes. The available data on variant occurrences in the general population are insufficient to allow any conclusion about variant significance. c.2597G>A has been observed in an individual with renal cell carcinoma and in an individual with tubo-ovarian cancer, without strong evidence of causality (example: Smith_2021, Delahunty_2022). These reports do not provide unequivocal conclusions about association of the variant with Hereditary Breast And Ovarian Cancer Syndrome. To our knowledge, no experimental evidence demonstrating an impact on protein function has been reported. The following publications have been ascertained in the context of this evaluation (PMID: 35263119, 32830346). ClinVar contains an entry for this variant (Variation ID: 186848). Based on the evidence outlined above, the variant was classified as uncertain significance.

Labcorp Genetics (formerly Invitae), Labcorp
Classification: Uncertain significance for Familial cancer of breast. Last evaluated: 2024-12-29. Review status: criteria provided, single submitter. Criteria: Invitae Variant Classification Sherloc (09022015). Collection method: clinical testing. Allele origin: germline.
Comment: This sequence change replaces glycine, which is neutral and non-polar, with aspartic acid, which is acidic and polar, at codon 866 of the PALB2 protein (p.Gly866Asp). This variant is not present in population databases (gnomAD no frequency). This variant has not been reported in the literature in individuals affected with PALB2-related conditions. ClinVar contains an entry for this variant (Variation ID: 186848). Invitae Evidence Modeling of protein sequence and biophysical properties (such as structural, functional, and spatial information, amino acid conservation, physicochemical variation, residue mobility, and thermodynamic stability) indicates that this missense variant is not expected to disrupt PALB2 protein function with a negative predictive value of 80%. Algorithms developed to predict the effect of sequence changes on RNA splicing suggest that this variant may disrupt the consensus splice site. In summary, the available evidence is currently insufficient to determine the role of this variant in disease. Therefore, it has been classified as a Variant of Uncertain Significance.

GeneDx
Classification: Uncertain significance. Last evaluated: 2024-11-21. Review status: criteria provided, single submitter. Criteria: GeneDx Variant Classification Process June 2021. Collection method: clinical testing. Allele origin: germline. Affected: yes.
Comment: Not observed at significant frequency in large population cohorts (gnomAD); In silico analysis supports that this missense variant has a deleterious effect on protein structure/function; Has not been previously published as pathogenic or benign to our knowledge; This variant is associated with the following publications: (PMID: 24485656, 19609323, 20871615)

Baylor Genetics
Classification: Uncertain significance for Familial cancer of breast. Last evaluated: 2023-05-05. Review status: criteria provided, single submitter. Criteria: ACMG Guidelines, 2015. Collection method: clinical testing. Allele origin: unknown.

Color Diagnostics, LLC DBA Color Health
Classification: Uncertain significance for Hereditary cancer-predisposing syndrome. Last evaluated: 2018-11-20. Review status: criteria provided, single submitter. Criteria: ACMG Guidelines, 2015. Collection method: clinical testing. Allele origin: germline.

Literature cited by the submitters: PubMed 32830346 (cited by Women's Health and Genetics/Laboratory Corporation of America, LabCorp); PubMed 35263119 (cited by Women's Health and Genetics/Laboratory Corporation of America, LabCorp).

NM_024675.4(PALB2):c.2597G>A (p.Gly866Asp)

Gene: PALB2 (partner and localizer of BRCA2; minus strand). Cytogenetic location: 16p12.2.
Variant type: single nucleotide variant.
Coding change: c.2597G>A on transcript NM_024675.4 (MANE Select); coding-DNA position 2597, G replaced by A.
Protein change: p.Gly866Asp; replaces glycine 866 with aspartic acid.
Molecular consequence: missense variant.
Genome position (GRCh38, 1-based): chr16:23,626,387, C>T on the plus strand (G>A on the coding strand, the complement: PALB2 is on the minus strand). VCF-style: chr16-23626387-C-T. GRCh37 (hg19) VCF-style: chr16-23637708-C-T.
Other names: short protein forms G866D.
Identifiers: ClinVar variation 186848 (VCV000186848.22), dbSNP rs62625279, ClinGen allele CA196040.